The following is an entry in ClinVar:

NM_206933.4(USH2A):c.14531C>T (p.Thr4844Met)

Gene: USH2A (usherin; minus strand). Cytogenetic location: 1q41.
Variant type: single nucleotide variant.
Coding change: c.14531C>T on transcript NM_206933.4 (MANE Select); coding-DNA position 14531, C replaced by T.
Protein change: p.Thr4844Met; replaces threonine 4844 with methionine.
Molecular consequence: missense variant.
Genome position (GRCh38, 1-based): chr1:215,648,579, G>A on the plus strand (C>T on the coding strand, the complement: USH2A is on the minus strand). VCF-style: chr1-215648579-G-A. GRCh37 (hg19) VCF-style: chr1-215821921-G-A.
Other names: short protein forms T4844M.
Identifiers: ClinVar variation 48443 (VCV000048443.25), dbSNP rs200570742, ClinGen allele CA143362.

ClinVar aggregate classification (germline): Conflicting classifications of pathogenicity. Review status: criteria provided, conflicting classifications (1 of 4 stars). 6 submissions from 6 submitters: Uncertain significance (2); Likely benign (4). Last evaluated 2026-05-19.

Conditions:
USH2A-related disorder. Also called: USH2A-related disorders; USH2A-related condition. Identifiers: MedGen CN239332.

Allele frequency attached by ClinVar (database versions not stated): 1000 Genomes Project 30x 0.00062; gnomAD 0.00010; TOPMed 0.00022; 1000 Genomes Project 0.00060.
gnomAD v4.1: 171 of 1,614,182 alleles (0.011%); highest among the groups gnomAD compares: Admixed American, 0.14%; 2 homozygotes.

Submissions (6):

PreventionGenetics, part of Exact Sciences
Classification: Uncertain significance for USH2A-related condition. Last evaluated: 2026-05-19. Review status: criteria provided, single submitter. Criteria: ACMG Guidelines, 2015. Collection method: clinical testing. Allele origin: germline.
Comment: The USH2A c.14531C>T variant is predicted to result in the amino acid substitution p.Thr4844Met. To our knowledge, this variant has not been reported in the literature. This variant is present in 0.028% of alleles in individuals of Latino descent in gnomAD, including 2 homozygotes in v4.1.0. Although we suspect that this variant may be benign, at this time, the clinical significance of this variant is uncertain due to the absence of conclusive functional and genetic evidence.

CeGaT Center for Human Genetics Tuebingen
Classification: Likely benign. Last evaluated: 2025-02-01. Review status: criteria provided, single submitter. Criteria: CeGaT Center For Human Genetics Tuebingen Variant Classification Criteria Version 2. Collection method: clinical testing. Allele origin: germline. Affected: yes. Observed: 1 variant allele.
Comment: USH2A: BP4, BS1

Blueprint Genetics
Classification: Likely benign. Last evaluated: 2024-02-29. Review status: criteria provided, single submitter. Criteria: ACMG Guidelines, 2015. Collection method: clinical testing. Allele origin: germline.

Labcorp Genetics (formerly Invitae), Labcorp
Classification: Uncertain significance. Last evaluated: 2022-11-01. Review status: criteria provided, single submitter. Criteria: Invitae Variant Classification Sherloc (09022015). Collection method: clinical testing. Allele origin: germline.
Comment: This sequence change replaces threonine, which is neutral and polar, with methionine, which is neutral and non-polar, at codon 4844 of the USH2A protein (p.Thr4844Met). This variant is present in population databases (rs200570742, gnomAD 0.03%). This variant has not been reported in the literature in individuals affected with USH2A-related conditions. ClinVar contains an entry for this variant (Variation ID: 48443). Advanced modeling of protein sequence and biophysical properties (such as structural, functional, and spatial information, amino acid conservation, physicochemical variation, residue mobility, and thermodynamic stability) performed at Invitae indicates that this missense variant is not expected to disrupt USH2A protein function. In summary, the available evidence is currently insufficient to determine the role of this variant in disease. Therefore, it has been classified as a Variant of Uncertain Significance.

GeneDx
Classification: Likely benign. Last evaluated: 2020-11-30. Review status: criteria provided, single submitter. Criteria: GeneDx Variant Classification Process June 2021. Collection method: clinical testing. Allele origin: germline. Affected: yes.
Comment: This variant is associated with the following publications: (PMID: 20507924)

Laboratory for Molecular Medicine, Mass General Brigham Personalized Medicine
Classification: Likely benign. Last evaluated: 2015-08-04. Review status: criteria provided, single submitter. Criteria: LMM Criteria. Collection method: clinical testing. Allele origin: germline. Inheritance: Autosomal recessive inheritance. Observed: 2 variant alleles.
Comment: p.Thr4844Met in exon 66 of USH2A: This variant has been reported in the heterozy gous state in one individual with nonsyndromic retinitis pigmentosa, but a varia nt on the second allele was not identified (McGee 2010). It is not expected to h ave clinical significance due to a lack of conservation across species, includin g mammals. Of note, several mammals carry a methionine (Met) at this position de spite high nearby amino acid conservation. The p.Thr4844Met variant has also bee n identified in 4/11578 Latino chromosomes by the Exome Aggregation Consortium ( ExAC; dbSNP rs200570742).

Literature cited by the submitters: PubMed 20507924 (cited by Laboratory for Molecular Medicine, Mass General Brigham Personalized Medicine).